The following is an entry in ClinVar:

NM_004446.3(EPRS1):c.3856G>C (p.Val1286Leu)

Gene: EPRS1 (glutamyl-prolyl-tRNA synthetase 1; minus strand). Cytogenetic location: 1q41.
Variant type: single nucleotide variant.
Coding change: c.3856G>C on transcript NM_004446.3 (MANE Select); coding-DNA position 3856, G replaced by C.
Protein change: p.Val1286Leu; replaces valine 1286 with leucine.
Molecular consequence: missense variant.
Genome position (GRCh38, 1-based): chr1:219,979,471, C>G on the plus strand (G>C on the coding strand, the complement: EPRS1 is on the minus strand). VCF-style: chr1-219979471-C-G. GRCh37 (hg19) VCF-style: chr1-220152813-C-G.
Other names: short protein forms V1286L.
Identifiers: ClinVar variation 2019781 (VCV002019781.4), dbSNP rs377637548, ClinGen allele CA344631845.

ClinVar aggregate classification (germline): Uncertain significance (1 of 4 stars; one submission).

Submission:

Labcorp Genetics (formerly Invitae), Labcorp
Classification: Uncertain significance. Last evaluated: 2022-09-27. Review status: criteria provided, single submitter. Criteria: Invitae Variant Classification Sherloc (09022015). Collection method: clinical testing. Allele origin: germline.
Comment: This variant has not been reported in the literature in individuals affected with EPRS-related conditions. In summary, the available evidence is currently insufficient to determine the role of this variant in disease. Therefore, it has been classified as a Variant of Uncertain Significance. Algorithms developed to predict the effect of missense changes on protein structure and function are either unavailable or do not agree on the potential impact of this missense change (SIFT: "Deleterious"; PolyPhen-2: "Benign"; Align-GVGD: "Class C0"). This variant is not present in population databases (gnomAD no frequency). This sequence change replaces valine, which is neutral and non-polar, with leucine, which is neutral and non-polar, at codon 1286 of the EPRS protein (p.Val1286Leu).